The following is an entry in ClinVar:

ClinVar aggregate classification (germline): Conflicting classifications of pathogenicity. Review status: criteria provided, conflicting classifications (1 of 4 stars). 2 submissions from 2 submitters: Uncertain significance (1); Likely benign (1). Last evaluated 2026-01-01.

Conditions:
Inborn genetic diseases. Identifiers: MedGen C0950123, MeSH D030342.

gnomAD v4.1: 15 of 1,613,982 alleles (0.00093%); highest among the groups gnomAD compares: Middle Eastern, 0.016%; no homozygotes.

Submissions (2):

CeGaT Center for Human Genetics Tuebingen
Classification: Likely benign. Last evaluated: 2026-01-01. Review status: criteria provided, single submitter. Criteria: CeGaT Center For Human Genetics Tuebingen Variant Classification Criteria Version 2. Collection method: clinical testing. Allele origin: germline. Affected: yes. Observed: 1 variant allele.
Comment: ZNF462: BP4, BS2

Ambry Genetics
Classification: Uncertain significance for Inborn genetic diseases. Last evaluated: 2025-09-04. Review status: criteria provided, single submitter. Criteria: Ambry Variant Classification Scheme 2023. Collection method: clinical testing. Allele origin: germline.

NM_021224.6(ZNF462):c.2038G>A (p.Ala680Thr)

Gene: ZNF462 (zinc finger protein 462; plus strand). Cytogenetic location: 9q31.2.
Variant type: single nucleotide variant.
Coding change: c.2038G>A on transcript NM_021224.6 (MANE Select); coding-DNA position 2038, G replaced by A.
Protein change: p.Ala680Thr; replaces alanine 680 with threonine.
Molecular consequence: missense variant.
Genome position (GRCh38, 1-based): chr9:106,925,950, G>A. VCF-style: chr9-106925950-G-A. GRCh37 (hg19) VCF-style: chr9-109688231-G-A.
Other names: c.2038G>A, p.Ala680Thr (NM_001347997.2); short protein forms A680T.
Identifiers: ClinVar variation 4209032 (VCV004209032.5).
Genomic context (GRCh38, chr9:106,925,950, plus strand): 5'-ACCTCAATTCTTGGGTTGTCCTCCAAGAACAATTTTGTAGCTAAAGCCTCTAGGAAGCTC[G>A]CCAATGACTTTCCTCTAGATTTGTCACCCGTGAAGAAGAGAACCAGGATTGACGAGATAG-3'
Protein context (NP_067047.4, residues 670-690): NFVAKASRKL[Ala680Thr]NDFPLDLSPV